The following is an entry in ClinVar:

ClinVar aggregate classification (germline): Uncertain significance. Review status: criteria provided, multiple submitters, no conflicts (2 of 4 stars). 2 submissions from 2 submitters: Uncertain significance (2). Last evaluated 2025-10-15.

Conditions:
Shprintzen-Goldberg syndrome (SGS). Also called: SHPRINTZEN-GOLDBERG CRANIOSYNOSTOSIS SYNDROME; CRANIOSYNOSTOSIS WITH ARACHNODACTYLY AND ABDOMINAL HERNIAS; Marfanoid disorder with craniosynostosis type 1; Marfanoid craniosynostosis syndrome; Shprintzen-Goldberg marfanoid syndrome. Identifiers: Orphanet 2462, MedGen C1321551, MONDO:0008426, OMIM 182212.
Familial thoracic aortic aneurysm and aortic dissection (TAAD). Also called: Thoracic aortic aneurysms and dissections. Identifiers: Orphanet 91387, MedGen C4707243, MONDO:0019625.

gnomAD v4.1: 1 of 1,611,420 alleles (0.000062%); highest among the groups gnomAD compares: Non-Finnish European, 0.000085%; no homozygotes.

Submissions (2):

Labcorp Genetics (formerly Invitae), Labcorp
Classification: Uncertain significance for Shprintzen-Goldberg syndrome. Last evaluated: 2025-10-15. Review status: criteria provided, single submitter. Criteria: Invitae Variant Classification Sherloc (09022015). Collection method: clinical testing. Allele origin: germline.
Comment: This sequence change replaces serine, which is neutral and polar, with asparagine, which is neutral and polar, at codon 239 of the SKI protein (p.Ser239Asn). This variant is present in population databases (rs776935614, gnomAD 0.0009%). This variant has not been reported in the literature in individuals affected with SKI-related conditions. Invitae Evidence Modeling of protein sequence and biophysical properties (such as structural, functional, and spatial information, amino acid conservation, physicochemical variation, residue mobility, and thermodynamic stability) indicates that this missense variant is not expected to disrupt SKI protein function with a negative predictive value of 95%. In summary, the available evidence is currently insufficient to determine the role of this variant in disease. Therefore, it has been classified as a Variant of Uncertain Significance.

Ambry Genetics
Classification: Uncertain significance for Familial thoracic aortic aneurysm and aortic dissection. Last evaluated: 2025-09-28. Review status: criteria provided, single submitter. Criteria: Ambry Variant Classification Scheme 2023. Collection method: clinical testing. Allele origin: germline.
Comment: The p.S239N variant (also known as c.716G>A), located in coding exon 1 of the SKI gene, results from a G to A substitution at nucleotide position 716. The serine at codon 239 is replaced by asparagine, an amino acid with highly similar properties. This amino acid position is conserved. In addition, this alteration is predicted to be tolerated by in silico analysis. Based on the available evidence, the clinical significance of this variant remains unclear.

NM_003036.4(SKI):c.716G>A (p.Ser239Asn)

Gene: SKI (SKI proto-oncogene; plus strand). Cytogenetic location: 1p36.33.
Variant type: single nucleotide variant.
Coding change: c.716G>A on transcript NM_003036.4 (MANE Select); coding-DNA position 716, G replaced by A.
Protein change: p.Ser239Asn; replaces serine 239 with asparagine.
Molecular consequence: missense variant.
Genome position (GRCh38, 1-based): chr1:2,229,482, G>A. VCF-style: chr1-2229482-G-A. GRCh37 (hg19) VCF-style: chr1-2160921-G-A.
Other names: short protein forms S239N.
Identifiers: ClinVar variation 4635536 (VCV004635536.2).